The following is an entry in ClinVar:

ClinVar aggregate classification (germline): Pathogenic (1 of 4 stars; one submission).

Submission:

Labcorp Genetics (formerly Invitae), Labcorp
Classification: Pathogenic. Last evaluated: 2023-12-22. Review status: criteria provided, single submitter. Criteria: Invitae Variant Classification Sherloc (09022015). Collection method: clinical testing. Allele origin: germline.
Comment: This sequence change creates a premature translational stop signal (p.Val258Leufs*4) in the EXOSC9 gene. It is expected to result in an absent or disrupted protein product. Loss-of-function variants in EXOSC9 are known to be pathogenic (PMID: 29727687, 33040083). This variant is not present in population databases (gnomAD no frequency). This variant has not been reported in the literature in individuals affected with EXOSC9-related conditions. For these reasons, this variant has been classified as Pathogenic.

Literature cited by the submitters: PubMed 29727687; PubMed 33040083.

NM_005033.3(EXOSC9):c.772_781del (p.Val258fs)

Gene: EXOSC9 (exosome component 9; plus strand). Cytogenetic location: 4q27.
Variant type: Deletion.
Coding change: c.772_781del on transcript NM_005033.3 (MANE Select); coding-DNA positions 772 to 781, 10 bases deleted (GTAGCAGAAA; older notation c.772_781delGTAGCAGAAA).
Protein change: p.Val258fs; shifts the reading frame from valine 258.
Molecular consequence: frameshift variant.
Genome position (GRCh38, 1-based): chr4:121,811,616-121,811,625, GTAGCAGAAA deleted; deleting any 10 consecutive bases within chr4:121,811,612-121,811,625 gives the same sequence; the c. name uses the placement nearest the transcript's 3' end. VCF-style (leftmost placement, unchanged base first): chr4-121811611-TGAAAGTAGCA-T. GRCh37 (hg19) VCF-style: chr4-122732766-TGAAAGTAGCA-T.
Other names: c.772_781del, p.Val258fs (NM_001034194.2); short protein forms V258fs.
Identifiers: ClinVar variation 2993571 (VCV002993571.1), dbSNP rs1305450307, ClinGen allele CA786352228.